The following is an entry in ClinVar:

ClinVar aggregate classification (germline): Uncertain significance (1 of 4 stars; one submission).

Submission:

GeneDx
Classification: Uncertain significance. Last evaluated: 2024-07-18. Review status: criteria provided, single submitter. Criteria: GeneDx Variant Classification Process June 2021. Collection method: clinical testing. Allele origin: germline. Affected: yes.
Comment: Not observed at significant frequency in large population cohorts (gnomAD); In silico analysis supports that this missense variant has a deleterious effect on protein structure/function; Has not been previously published as pathogenic or benign to our knowledge

NM_001270.4(CHD1):c.1825G>C (p.Ala609Pro)

Gene: CHD1 (chromodomain helicase DNA binding protein 1; minus strand). Cytogenetic location: 5q15.
Variant type: single nucleotide variant.
Coding change: c.1825G>C on transcript NM_001270.4 (MANE Select); coding-DNA position 1825, G replaced by C.
Protein change: p.Ala609Pro; replaces alanine 609 with proline.
Molecular consequence: missense variant. On other transcripts: non-coding transcript variant (2).
Genome position (GRCh38, 1-based): chr5:98,893,582, C>G on the plus strand (G>C on the coding strand, the complement: CHD1 is on the minus strand). VCF-style: chr5-98893582-C-G. GRCh37 (hg19) VCF-style: chr5-98229286-C-G.
Other names: c.1825G>C, p.Ala609Pro (NM_001364113.3, NM_001376194.2); short protein forms A609P.
Identifiers: ClinVar variation 3573878 (VCV003573878.1).